The following is an entry in ClinVar:

ClinVar aggregate classification (germline): Uncertain significance (1 of 4 stars; one submission).

Allele frequency attached by ClinVar (database versions not stated): gnomAD exomes below 0.00001.

Submission:

Labcorp Genetics (formerly Invitae), Labcorp
Classification: Uncertain significance. Last evaluated: 2023-09-28. Review status: criteria provided, single submitter. Criteria: Invitae Variant Classification Sherloc (09022015). Collection method: clinical testing. Allele origin: germline.
Comment: In summary, the available evidence is currently insufficient to determine the role of this variant in disease. Therefore, it has been classified as a Variant of Uncertain Significance. This variant has not been reported in the literature in individuals affected with HMCN1-related conditions. This variant is present in population databases (no rsID available, gnomAD 0.003%). This sequence change creates a premature translational stop signal (p.Gln1773Argfs*2) in the HMCN1 gene. It is expected to result in an absent or disrupted protein product. However, the current clinical and genetic evidence is not sufficient to establish whether loss-of-function variants in HMCN1 cause disease.

NM_031935.3(HMCN1):c.5318del (p.Gln1773fs)

Gene: HMCN1 (hemicentin 1; plus strand). Cytogenetic location: 1q31.1.
Variant type: Deletion.
Coding change: c.5318del on transcript NM_031935.3 (MANE Select); coding-DNA position 5318, one base deleted (A; older notation c.5318delA).
Protein change: p.Gln1773fs; shifts the reading frame from glutamine 1773.
Molecular consequence: frameshift variant.
Genome position (GRCh38, 1-based): chr1:186,018,200, A deleted. VCF-style (leftmost placement, unchanged base first): chr1-186018199-CA-C. GRCh37 (hg19) VCF-style: chr1-185987331-CA-C.
Other names: short protein forms Q1773fs.
Identifiers: ClinVar variation 2872997 (VCV002872997.3), dbSNP rs1323841833, ClinGen allele CA527671290.